The following is an entry in ClinVar:

NM_001723.7(DST):c.7126T>C (p.Trp2376Arg)

Gene: DST (dystonin; minus strand). Cytogenetic location: 6p12.1.
Variant type: single nucleotide variant.
Coding change: c.7126T>C on transcript NM_001723.7 (MANE Plus Clinical); coding-DNA position 7126, T replaced by C.
Protein change: p.Trp2376Arg; replaces tryptophan 2376 with arginine.
Molecular consequence: missense variant. On other transcripts: intron variant (10).
Genome position (GRCh38, 1-based): chr6:56,616,341, A>G on the plus strand (T>C on the coding strand, the complement: DST is on the minus strand). VCF-style: chr6-56616341-A-G. GRCh37 (hg19) VCF-style: chr6-56481139-A-G.
Other names: c.4831-1857T>C (NM_001144769.5); c.4930-1857T>C (NM_001374722.1, NM_001374736.1); c.4957-1857T>C (NM_001374734.1); c.4417-1857T>C (NM_001144770.2); c.4297-1857T>C (NM_001374730.1, NM_001386100.1, NM_183380.4 and 1 more transcripts); c.3319-1857T>C (NM_015548.5); short protein forms W2376R.
Identifiers: ClinVar variation 1370151 (VCV001370151.8), dbSNP rs1267976103, ClinGen allele CA364563665.

ClinVar aggregate classification (germline): Uncertain significance (1 of 4 stars; one submission).

Conditions:
Epidermolysis bullosa simplex 3, localized or generalized intermediate, with BP230 deficiency (EBS3). Also called: Epidermolysis bullosa simplex due to BP230 deficiency; Epidermolysis bullosa simplex, autosomal recessive 2. Identifiers: Orphanet 412181, MedGen C3809470, MONDO:0014180, OMIM 615425.
Hereditary sensory and autonomic neuropathy type 6. Also called: HSAN VI; Neuropathy, hereditary sensory and autonomic, type VI. Identifiers: Orphanet 314381, MedGen C3539003, MONDO:0013839, OMIM 614653.

Allele frequency attached by ClinVar (database versions not stated): gnomAD exomes below 0.00001.
gnomAD v4.1: 1 of 1,613,728 alleles (0.000062%); highest among the groups gnomAD compares: Non-Finnish European, 0.000085%; no homozygotes.

Submission:

Labcorp Genetics (formerly Invitae), Labcorp
Classification: Uncertain significance for Epidermolysis bullosa simplex 3, localized or generalized intermediate, with BP230 deficiency; Hereditary sensory and autonomic neuropathy type 6. Last evaluated: 2021-02-26. Review status: criteria provided, single submitter. Criteria: Invitae Variant Classification Sherloc (09022015). Collection method: clinical testing. Allele origin: germline.
Comment: In summary, the available evidence is currently insufficient to determine the role of this variant in disease. Therefore, it has been classified as a Variant of Uncertain Significance. Algorithms developed to predict the effect of missense changes on protein structure and function (SIFT, PolyPhen-2, Align-GVGD) all suggest that this variant is likely to be disruptive, but these predictions have not been confirmed by published functional studies and their clinical significance is uncertain. This variant has not been reported in the literature in individuals with DST-related conditions. This variant is not present in population databases (ExAC no frequency). This sequence change replaces tryptophan with arginine at codon 2376 of the DST protein (p.Trp2376Arg). The tryptophan residue is highly conserved and there is a moderate physicochemical difference between tryptophan and arginine.